The following is an entry in ClinVar:

NM_014727.3(KMT2B):c.1157T>C (p.Val386Ala)

Gene: KMT2B (lysine methyltransferase 2B; plus strand). Cytogenetic location: 19q13.12.
Variant type: single nucleotide variant.
Coding change: c.1157T>C on transcript NM_014727.3 (MANE Select); coding-DNA position 1157, T replaced by C.
Protein change: p.Val386Ala; replaces valine 386 with alanine.
Molecular consequence: missense variant.
Genome position (GRCh38, 1-based): chr19:35,720,504, T>C. VCF-style: chr19-35720504-T-C. GRCh37 (hg19) VCF-style: chr19-36211406-T-C.
Other names: c.1157T>C (NM_014727.1); short protein forms V386A.
Identifiers: ClinVar variation 975734 (VCV000975734.14), dbSNP rs374075740, ClinGen allele CA9384189.

ClinVar aggregate classification (germline): Likely benign. Review status: criteria provided, multiple submitters, no conflicts (2 of 4 stars). 4 submissions from 4 submitters: Likely benign (3). 1 of the submissions does not count toward it. Last evaluated 2026-01-07.

Conditions:
Intellectual disability. Also called: Intellectual developmental disorder; intellectual disabilities; Intellectual functioning disability. Identifiers: MedGen C3714756, MeSH D008607, MONDO:0001071, HP:0001249.
Inborn genetic diseases. Identifiers: MedGen C0950123, MeSH D030342.

Allele frequency attached by ClinVar (database versions not stated): gnomAD exomes 0.00008; ExAC 0.00009; ESP Exome Variant Server 0.00036; gnomAD 0.00036 and 0.00039; 1000 Genomes Project 0.00040; 1000 Genomes Project 30x 0.00047; TOPMed 0.00049.
gnomAD v4.1: 100 of 1,550,290 alleles (0.0065%); highest among the groups gnomAD compares: African/African-American, 0.12%; no homozygotes.

Submissions (4):

Labcorp Genetics (formerly Invitae), Labcorp
Classification: Likely benign. Last evaluated: 2026-01-07. Review status: criteria provided, single submitter. Criteria: Invitae Variant Classification Sherloc (09022015). Collection method: clinical testing. Allele origin: germline.

CeGaT Center for Human Genetics Tuebingen
Classification: Likely benign. Last evaluated: 2026-01-01. Review status: criteria provided, single submitter. Criteria: CeGaT Center For Human Genetics Tuebingen Variant Classification Criteria Version 2. Collection method: clinical testing. Allele origin: germline. Affected: yes. Observed: 1 variant allele.
Comment: KMT2B: BP4

Ambry Genetics
Classification: Likely benign for Inborn genetic diseases. Last evaluated: 2021-07-16. Review status: criteria provided, single submitter. Criteria: Ambry Variant Classification Scheme 2023. Collection method: clinical testing. Allele origin: germline.

Centre de Biologie Pathologie Génétique, Centre Hospitalier Universitaire de Lille
Classification: Likely benign for Intellectual disability. Last evaluated: 2019-01-01. Review status: no assertion criteria provided. Collection method: clinical testing. Allele origin: inherited. Affected: yes. Not counted in ClinVar's aggregate classification.